The following is an entry in ClinVar:

ClinVar aggregate classification (germline): Uncertain significance (1 of 4 stars; one submission).

Conditions:
Alpha thalassemia-X-linked intellectual disability syndrome (ATRX). Also called: ALPHA-THALASSEMIA/MENTAL RETARDATION SYNDROME, X-LINKED; ATR, NONDELETION TYPE; X-linked alpha-thalassemia-mental retardation syndrome; ATR-X syndrome; Alpha thalassemia mental retardation syndrome, nondeletion type, X-linked; XLMR hypotonic face syndrome. Identifiers: Orphanet 847, MedGen C1845055, MONDO:0010519, OMIM 301040.

Allele frequency attached by ClinVar (database versions not stated): ExAC 0.00001.
gnomAD v4.1: 2 of 1,210,706 alleles (0.00017%); highest among the groups gnomAD compares: Non-Finnish European, 0.00022%; no homozygotes.

Submission:

Laboratorio de Genetica e Diagnostico Molecular, Hospital Israelita Albert Einstein
Classification: Uncertain significance for Alpha thalassemia-X-linked intellectual disability syndrome. Last evaluated: 2021-10-26. Review status: criteria provided, single submitter. Criteria: ACMG Guidelines, 2015. Collection method: clinical testing. Allele origin: germline. Affected: yes.
Comment: ACMG classification criteria: PM2 moderate, BP4 supporting

NM_000489.6(ATRX):c.3092G>A (p.Gly1031Asp)

Gene: ATRX (ATRX chromatin remodeler; minus strand). Cytogenetic location: Xq21.1.
Variant type: single nucleotide variant.
Coding change: c.3092G>A on transcript NM_000489.6 (MANE Select); coding-DNA position 3092, G replaced by A.
Protein change: p.Gly1031Asp; replaces glycine 1031 with aspartic acid.
Molecular consequence: missense variant.
Genome position (GRCh38, 1-based): chrX:77,682,164, C>T on the plus strand (G>A on the coding strand, the complement: ATRX is on the minus strand). VCF-style: chrX-77682164-C-T. GRCh37 (hg19) VCF-style: chrX-76937656-C-T.
Other names: c.2978G>A, p.Gly993Asp (NM_138270.5); short protein forms G1031D, G993D.
Identifiers: ClinVar variation 1683510 (VCV001683510.2), dbSNP rs782088552, ClinGen allele CA10457998.